The following is an entry in ClinVar:

NM_001358235.2(DCHS2):c.6467C>T (p.Thr2156Ile)

Genes: DCHS2-AS1 (DCHS2 antisense RNA 1; plus strand), DCHS2 (dachsous cadherin-related 2; minus strand). Cytogenetic location: 4q31.3.
Variant type: single nucleotide variant.
Coding change: c.6467C>T on transcript NM_001358235.2 (MANE Select); coding-DNA position 6467, C replaced by T.
Protein change: p.Thr2156Ile; replaces threonine 2156 with isoleucine.
Molecular consequence: missense variant.
Genome position (GRCh38, 1-based): chr4:154,270,010, G>A on the plus strand (C>T on the coding strand, the complement: DCHS2 is on the minus strand). VCF-style: chr4-154270010-G-A. GRCh37 (hg19) VCF-style: chr4-155191162-G-A.
Other names: short protein forms T2156I.
Identifiers: ClinVar variation 3042278 (VCV003042278.2), dbSNP rs146032523, ClinGen allele CA3112414.

ClinVar aggregate classification (germline): Benign (0 of 4 stars; one submission).

Conditions:
DCHS2-related disorder. Also called: DCHS2-related condition.

Allele frequency attached by ClinVar (database versions not stated): ESP Exome Variant Server 0.00185; TOPMed 0.00185; gnomAD 0.00234; gnomAD exomes 0.00394; ExAC 0.00614; 1000 Genomes Project 30x 0.00671; 1000 Genomes Project 0.00719.
gnomAD v4.1: 6,082 of 1,595,050 alleles (0.38%); highest among the groups gnomAD compares: South Asian, 3.5%; 83 homozygotes.

Submission:

PreventionGenetics, part of Exact Sciences
Classification: Benign for DCHS2-related condition. Last evaluated: 2019-05-28. Review status: no assertion criteria provided. Collection method: clinical testing. Allele origin: germline.
Comment: This variant is classified as benign based on ACMG/AMP sequence variant interpretation guidelines (Richards et al. 2015 PMID: 25741868, with internal and published modifications).